The following is an entry in ClinVar:

ClinVar aggregate classification (germline): Likely pathogenic. Review status: criteria provided, single submitter (1 of 4 stars). 2 submissions from 2 submitters: Likely pathogenic (1). 1 of the submissions does not count toward it. Last evaluated 2023-09-06.

Conditions:
CUL7-related disorder. Also called: CUL7-related condition.
3M syndrome 1. Also called: 3-M Syndrome, CUL7-Related. Identifiers: Orphanet 2616, MedGen C2678312, MONDO:0010117, OMIM 273750.

Allele frequency attached by ClinVar (database versions not stated): gnomAD exomes below 0.00001.

Submissions (2):

Blueprint Genetics
Classification: Likely pathogenic for CUL7-related disorders. Last evaluated: 2023-09-06. Review status: criteria provided, single submitter. Criteria: ACMG Guidelines, 2015. Collection method: clinical testing. Allele origin: germline. Affected: yes. Observed: 1 variant allele.

Hacettepe Genetic Diseases Diagnosis Center, Hacettepe University Faculty of Medicine
Classification: Likely pathogenic for 3M syndrome 1. Last evaluated: 2018-08-27. Review status: no assertion criteria provided. Collection method: clinical testing. Allele origin: germline. Inheritance: Autosomal recessive inheritance. Affected: yes. Observed: 1 homozygote. Not counted in ClinVar's aggregate classification.
Comment: The c.206dup (p.Met69Ilefs*5) variant meets our criteria to be classified as likely pathogenic.

Literature cited by the submitters: PubMed 30980518 (cited by Hacettepe Genetic Diseases Diagnosis Center, Hacettepe University Faculty of Medicine).

NM_014780.5(CUL7):c.206dup (p.Met69fs)

Gene: CUL7 (cullin 7; minus strand). Cytogenetic location: 6p21.1.
Variant type: Duplication.
Coding change: c.206dup on transcript NM_014780.5 (MANE Select); coding-DNA position 206, one base duplicated (T; older notation c.206dupT).
Protein change: p.Met69fs; shifts the reading frame from methionine 69.
Molecular consequence: frameshift variant.
Genome position (GRCh38, 1-based): chr6:43,052,583, A duplicated on the plus strand (T on the coding strand, the reverse complement: CUL7 is on the minus strand). VCF-style (leftmost placement, unchanged base first): chr6-43052582-C-CA. GRCh37 (hg19) VCF-style: chr6-43020320-C-CA.
Other names: c.206dup, p.Met69fs (NM_001168370.2, NM_001374872.1, NM_001374873.1 and 1 more transcripts); short protein forms M69fs.
Identifiers: ClinVar variation 599218 (VCV000599218.3), dbSNP rs1561898352, ClinGen allele CA913189971.
Genomic context (GRCh38, chr6:43,052,582, plus strand): 5'-GATGACCTGGCCATCCTCGCCCAGCATCTTGTGGCAGTTGGCATAGATCTCATCCTTGGA[C>CA]ATCCACAGCAGGATGTGCTCAGCCTTGCAGTCCACTTGGCCAGAGCCCCCGTCCCCCTCA-3'